The following is an entry in ClinVar:

NM_001365902.3(NFIX):c.950_954del (p.Asp317fs)

Gene: NFIX (nuclear factor I X; plus strand). Cytogenetic location: 19p13.13.
Variant type: Deletion.
Coding change: c.950_954del on transcript NM_001365902.3 (MANE Select); coding-DNA positions 950 to 954, 5 bases deleted (ATGCA; older notation c.950_954delATGCA).
Protein change: p.Asp317fs; shifts the reading frame from aspartic acid 317.
Molecular consequence: frameshift variant.
Genome position (GRCh38, 1-based): chr19:13,075,666-13,075,670, ATGCA deleted. VCF-style (leftmost placement, unchanged base first): chr19-13075665-GATGCA-G. GRCh37 (hg19) VCF-style: chr19-13186479-GATGCA-G.
Other names: c.974_978del, p.Asp325fs (NM_001271043.2); c.926_930del, p.Asp309fs (NM_001271044.3, NM_001378404.1); c.950_954del, p.Asp317fs (NM_001365982.2, NM_002501.4); c.809_813del, p.Asp270fs (NM_001365983.2); c.947_951del, p.Asp316fs (NM_001365984.2, NM_001365985.2); c.998_1002del, p.Asp333fs (NM_001378405.1); c.974_978delATGCA (NM_001271043.2); short protein forms D309fs, D316fs, D270fs, D317fs, D325fs, D333fs.
Identifiers: ClinVar variation 265650 (VCV000265650.2), dbSNP rs886039698, ClinGen allele CA10588683.
Genomic context (GRCh38, chr19:13,075,665, plus strand): 5'-GGGACAGGCCGTTCCCCAGCAGCTGGCAGCAGCCAGTCCAGCGGGTGGCCCAACGATGTG[GATGCA>G]GGTATGGGTGCGGGGGATCCTGACCCAGAGCAAGGGCAGCCCAGAGTCTTTTTGTCCCCT-3'

ClinVar aggregate classification (germline): Pathogenic (1 of 4 stars; one submission).

Submission:

GeneDx
Classification: Pathogenic. Last evaluated: 2016-07-30. Review status: criteria provided, single submitter. Criteria: GeneDx Variant Classification (06012015). Collection method: clinical testing. Allele origin: germline. Affected: yes.
Comment: The c.974_978delATGCA variant in the NFIX gene has not been reported previously as a pathogenic variant nor as a benign variant, to our knowledge. The c.974_978delATGCA variant causes a frameshift starting with codon Asparagine 325, changes this amino acid to a Glycine residue, and creates a premature Stop codon at position 104 of the new reading frame, denoted p.Asp325GlyfsX104. This variant is predicted to cause loss of normal protein function either through protein truncation or nonsense-mediated mRNA decay. As an alternate mechanism, multiple in silico algorithms predict that this sequence change damages or destroys the natural splice donor site of intron 6, which may cause abnormal gene splicing. The c.974_978delATGCA variant was not observed in approximately 6200 individuals of European and African American ancestry in the NHLBI Exome Sequencing Project, indicating it is not a common benign variant in these populations. We interpret c.974_978delATGCA as a pathogenic variant.